The following is an entry in ClinVar:

ClinVar aggregate classification (germline): Pathogenic/Likely pathogenic. Review status: criteria provided, multiple submitters, no conflicts (2 of 4 stars). 2 submissions from 2 submitters: Pathogenic (1); Likely pathogenic (1). Last evaluated 2025-02-07.

Conditions:
Biotin-responsive basal ganglia disease (BTBGD). Also called: Thiamine metabolism dysfunction syndrome 2 (biotin- or thiamine-responsive encephalopathy type 2); thiamine-responsive encephalopathy; Thiamine Transporter-2 Deficiency; Thiamine metabolism dysfunction syndrome type 2; THIAMINE METABOLISM DYSFUNCTION SYNDROME 2 (BIOTIN- AND THIAMINE-RESPONSIVE TYPE). Identifiers: Orphanet 199348, Orphanet 65284, MedGen C1843807, MONDO:0011841, OMIM 607483.

gnomAD v4.1: 1 of 1,614,066 alleles (0.000062%); no homozygotes.

Submissions (2):

Diagnostics Services (NGS), CSIR - Centre For Cellular And Molecular Biology
Classification: Likely pathogenic for Biotin-responsive basal ganglia disease. Last evaluated: 2025-02-07. Review status: criteria provided, single submitter. Criteria: ACMG Guidelines, 2015. Collection method: clinical testing. Allele origin: unknown. Affected: no. Observed: 1 variant allele, 1 heterozygote.
Comment: The c.35G>A variant is not present in 1000 Genomes, EVS, gnomAD, Indian Exome Database or our internal database. This variant has neither been reported in the literature in individuals affected with SLC19A3-related conditions nor reported to the HGMD, ClinVar or OMIM databases in any affected individuals. In-silico pathogenicity prediction programs like MutationTaster2021, CADD, Franklin, Varsome, InterVar etc predicted this variant to be likely deleterious. This variant creates a premature translational stop signal at the 12nd amino acid position of the wild-type transcript that may either result in translation of a truncated protein or cause nonsense mediated decay of the mRNA.

Labcorp Genetics (formerly Invitae), Labcorp
Classification: Pathogenic for Biotin-responsive basal ganglia disease. Last evaluated: 2024-06-04. Review status: criteria provided, single submitter. Criteria: Invitae Variant Classification Sherloc (09022015). Collection method: clinical testing. Allele origin: germline.
Comment: This sequence change creates a premature translational stop signal (p.Trp12*) in the SLC19A3 gene. It is expected to result in an absent or disrupted protein product. Loss-of-function variants in SLC19A3 are known to be pathogenic (PMID: 23423671, 23482991). This variant is not present in population databases (gnomAD no frequency). This variant has not been reported in the literature in individuals affected with SLC19A3-related conditions. Algorithms developed to predict the effect of sequence changes on RNA splicing suggest that this variant may disrupt the consensus splice site. For these reasons, this variant has been classified as Pathogenic.

Literature cited by the submitters: PubMed 23423671 (cited by Labcorp Genetics (formerly Invitae), Labcorp); PubMed 23482991 (cited by Labcorp Genetics (formerly Invitae), Labcorp).

NM_025243.4(SLC19A3):c.35G>A (p.Trp12Ter)

Gene: SLC19A3 (solute carrier family 19 member 3; minus strand). Cytogenetic location: 2q36.3.
Variant type: single nucleotide variant.
Coding change: c.35G>A on transcript NM_025243.4 (MANE Select); coding-DNA position 35, G replaced by A.
Protein change: p.Trp12Ter; replaces tryptophan 12 with a stop codon.
Molecular consequence: nonsense. On other transcripts: 5 prime UTR variant (2).
Genome position (GRCh38, 1-based): chr2:227,702,284, C>T on the plus strand (G>A on the coding strand, the complement: SLC19A3 is on the minus strand). VCF-style: chr2-227702284-C-T. GRCh37 (hg19) VCF-style: chr2-228567000-C-T.
Other names: c.35G>A, p.Trp12Ter (NM_001371411.1, NM_001371412.1); c.-174G>A (NM_001371413.1, NM_001371414.1); short protein forms W12*.
Identifiers: ClinVar variation 3655415 (VCV003655415.3).